The following is an entry in ClinVar:

NM_001042517.2(DIAPH3):c.1432G>T (p.Asp478Tyr)

Gene: DIAPH3 (diaphanous related formin 3; minus strand). Cytogenetic location: 13q21.2.
Variant type: single nucleotide variant.
Coding change: c.1432G>T on transcript NM_001042517.2 (MANE Select); coding-DNA position 1432, G replaced by T.
Protein change: p.Asp478Tyr; replaces aspartic acid 478 with tyrosine.
Molecular consequence: missense variant.
Genome position (GRCh38, 1-based): chr13:59,983,817, C>A on the plus strand (G>T on the coding strand, the complement: DIAPH3 is on the minus strand). VCF-style: chr13-59983817-C-A. GRCh37 (hg19) VCF-style: chr13-60557951-C-A.
Other names: c.1399G>T, p.Asp467Tyr (NM_001258366.2); c.1294G>T, p.Asp432Tyr (NM_001258367.2); c.1222G>T, p.Asp408Tyr (NM_001258368.2); c.1432G>T, p.Asp478Tyr (NM_001258369.2); c.643G>T, p.Asp215Tyr (NM_001258370.2, NM_030932.4); short protein forms D408Y, D215Y, D467Y, D432Y, D478Y.
Identifiers: ClinVar variation 4984713 (VCV004984713.1).

ClinVar aggregate classification (germline): Uncertain significance (1 of 4 stars; one submission).

Conditions:
DIAPH3-related disorder. Also called: DIAPH3-related condition.

gnomAD v4.1: 5 of 1,610,112 alleles (0.00031%); highest among the groups gnomAD compares: Admixed American, 0.0067%; no homozygotes.

Submission:

PreventionGenetics, part of Exact Sciences
Classification: Uncertain significance for DIAPH3-related condition. Last evaluated: 2025-01-15. Review status: criteria provided, single submitter. Criteria: ACMG Guidelines, 2015. Collection method: clinical testing. Allele origin: germline.
Comment: The DIAPH3 c.1432G>T variant is predicted to result in the amino acid substitution p.Asp478Tyr. To our knowledge, this variant has not been reported in the literature. This variant is reported in 0.012% of alleles in individuals of Latino descent in gnomAD. Although we suspect that this variant may be benign, at this time, the clinical significance of this variant is uncertain due to the absence of conclusive functional and genetic evidence.